The following is an entry in ClinVar:

NM_178857.6(RP1L1):c.2850C>T (p.Arg950=)

Gene: RP1L1 (RP1 like 1). Cytogenetic location: 8p23.1.
Variant type: single nucleotide variant.
Coding change: c.2850C>T on transcript NM_178857.6 (MANE Select); coding-DNA position 2850, C replaced by T.
Protein change: p.Arg950=; no amino-acid change (arginine 950 retained).
Molecular consequence: synonymous variant.
Genome position (GRCh38, 1-based): chr8:10,611,248, G>A on the plus strand (C>T on the coding strand, the complement: RP1L1 is on the minus strand). VCF-style: chr8-10611248-G-A. GRCh37 (hg19) VCF-style: chr8-10468758-G-A.
Identifiers: ClinVar variation 361331 (VCV000361331.36), dbSNP rs542085308, ClinGen allele CA4624684.
Genomic context (GRCh38, chr8:10,611,248, plus strand): 5'-GAGTATGGGCTCTTCTGGAATGTTGTCCAGCCATTCGCGGACCACAGCCTCTGGAGACGA[G>A]CGGGGCAGAGAGCTGGGTGACACACCACTGGCCTCCTCCTGCCCCTGGGGGCCTCCCCCA-3'
Protein context (NP_849188.4, residues 940-960): ASGVSPSSLP[Arg950=]SSPEAVVREW

ClinVar aggregate classification (germline): Benign/Likely benign. Review status: criteria provided, multiple submitters, no conflicts (2 of 4 stars). 4 submissions from 4 submitters: Benign (2); Likely benign (2). Last evaluated 2026-07-01.

Conditions:
Occult macular dystrophy (OCMD). Also called: OCCULT MACULAR DYSTROPHY, SUSCEPTIBILITY TO; OMD. Identifiers: Orphanet 247834, MedGen C3150833, MONDO:0013316, OMIM 613587, HP:0030636.

Allele frequency attached by ClinVar (database versions not stated): gnomAD 0.00009; TOPMed 0.00013; 1000 Genomes Project 0.00020; ExAC 0.00021; gnomAD exomes 0.00023; 1000 Genomes Project 30x 0.00031.
gnomAD v4.1: 170 of 1,613,046 alleles (0.011%); highest among the groups gnomAD compares: Middle Eastern, 0.49%; 2 homozygotes.

Submissions (4):

CeGaT Center for Human Genetics Tuebingen
Classification: Likely benign. Last evaluated: 2026-07-01. Review status: criteria provided, single submitter. Criteria: CeGaT Center For Human Genetics Tuebingen Variant Classification Criteria Version 2. Collection method: clinical testing. Allele origin: germline. Affected: yes. Observed: 4 variant alleles.
Comment: RP1L1: BP4, BP7

Blueprint Genetics
Classification: Likely benign. Last evaluated: 2024-09-17. Review status: criteria provided, single submitter. Criteria: ACMG Guidelines, 2015. Collection method: clinical testing. Allele origin: germline.

Illumina Laboratory Services, Illumina
Classification: Benign for Occult macular dystrophy. Last evaluated: 2018-01-13. Review status: criteria provided, single submitter. Criteria: ICSL Variant Classification Criteria 13 December 2019. Collection method: clinical testing. Allele origin: germline.
Comment: This variant was observed in the ICSL laboratory as part of a predisposition screen in an ostensibly healthy population. It had not been previously curated by ICSL or reported in the Human Gene Mutation Database (HGMD: prior to June 1st, 2018), and was therefore a candidate for classification through an automated scoring system. Utilizing variant allele frequency, disease prevalence and penetrance estimates, and inheritance mode, an automated score was calculated to assess if this variant is too frequent to cause the disease. Based on the score and internal cut-off values, a variant classified as benign is not then subjected to further curation. The score for this variant resulted in a classification of benign for this disease.

Breakthrough Genomics
Classification: Benign. Review status: criteria provided, single submitter. Criteria: ACMG Guidelines, 2015. Collection method: not provided. Allele origin: germline. Inheritance: Autosomal recessive inheritance. Affected: yes.